The following is an entry in ClinVar:

NM_007194.4(CHEK2):c.501_502delinsCC (p.Thr168Pro)

Gene: CHEK2 (checkpoint kinase 2; minus strand). Cytogenetic location: 22q12.1.
Variant type: Indel.
Coding change: c.501_502delinsCC on transcript NM_007194.4 (MANE Select); coding-DNA positions 501 to 502, AA replaced by CC.
Protein change: p.Thr168Pro; replaces threonine 168 with proline.
Molecular consequence: missense variant. On other transcripts: 5 prime UTR variant (2), intron variant (1).
Genome position (GRCh38, 1-based): chr22:28,725,067-28,725,068, TT replaced by GG on the plus strand (AA replaced by CC on the coding strand, the reverse complement: CHEK2 is on the minus strand). VCF-style: chr22-28725067-TT-GG. GRCh37 (hg19) VCF-style: chr22-29121055-TT-GG.
Other names: c.630_631delinsCC, p.Thr211Pro (NM_001005735.3, NM_001438294.1); c.-277_-276delinsCC (NM_001257387.3); c.-163_-162delinsCC (NM_001437942.1); c.594_595delinsCC, p.Thr199Pro (NM_001438293.1, NM_001438295.1); c.501_502delinsCC, p.Thr168Pro (NM_145862.3); c.445-145_445-144delinsCC (NM_001349956.3); short protein forms T211P, T168P, T199P.
Identifiers: ClinVar variation 2735515 (VCV002735515.3), dbSNP rs2518053031, ClinGen allele CA2697552635.
Genomic context (GRCh38, chr22:28,725,067, plus strand): 5'-CAGAATTGTTATTCAAAGGACGGCGTTTTCCTTTCCCTACAAGCTCTGTATTTACAAAGG[TT>GG]CCATTGCCACTGTGATCTTCTATGTATGCAATGTAAGAGTTTTTAGGACCCACTTCCTAA-3'
Protein context (NP_009125.1, residues 158-178): AYIEDHSGNG[Thr168Pro]FVNTELVGKG

ClinVar aggregate classification (germline): Uncertain significance (1 of 4 stars; one submission).

Conditions:
Familial cancer of breast. Also called: BREAST CANCER, FAMILIAL; Hereditary breast cancer; hereditary breast carcinoma. Identifiers: Orphanet 227535, MedGen C0346153, MONDO:0016419, OMIM 114480. Disease mechanism: loss of function.

Submission:

Labcorp Genetics (formerly Invitae), Labcorp
Classification: Uncertain significance for Familial cancer of breast. Last evaluated: 2023-07-03. Review status: criteria provided, single submitter. Criteria: Invitae Variant Classification Sherloc (09022015). Collection method: clinical testing. Allele origin: germline.
Comment: This variant has not been reported in the literature in individuals affected with CHEK2-related conditions. In summary, the available evidence is currently insufficient to determine the role of this variant in disease. Therefore, it has been classified as a Variant of Uncertain Significance. Experimental studies and prediction algorithms are not available or were not evaluated, and the functional significance of this variant is currently unknown. Information on the frequency of this variant in the gnomAD database is not available, as this variant may be reported differently in the database. This sequence change replaces threonine, which is neutral and polar, with proline, which is neutral and non-polar, at codon 168 of the CHEK2 protein (p.Thr168Pro).